The following is an entry in ClinVar:

ClinVar aggregate classification (germline): Likely benign. Review status: criteria provided, single submitter (1 of 4 stars). 2 submissions from 2 submitters: Likely benign (1). 1 of the submissions does not count toward it. Last evaluated 2026-01-04.

Conditions:
Coffin-Lowry syndrome (CLS). Also called: COFFIN-LOWRY SYNDROME, MILD; Mental retardation with osteocartilaginous abnormalities. Identifiers: Orphanet 192, MedGen C0265252, MONDO:0010561, OMIM 303600.
Intellectual developmental disorder, X-linked 19. Also called: Intellectual disability, X-linked 19. Identifiers: Orphanet 777, MedGen C0796225, MONDO:0010447, OMIM 300844.
RPS6KA3-related disorder. Also called: RPS6KA3-related condition.

Allele frequency attached by ClinVar (database versions not stated): gnomAD exomes 0.00003; ExAC 0.00008.
gnomAD v4.1: 26 of 896,254 alleles (0.0029%); highest among the groups gnomAD compares: African/African-American, 0.0063%; no homozygotes.

Submissions (2):

Labcorp Genetics (formerly Invitae), Labcorp
Classification: Likely benign for Coffin-Lowry syndrome; Intellectual developmental disorder, X-linked 19. Last evaluated: 2026-01-04. Review status: criteria provided, single submitter. Criteria: Invitae Variant Classification Sherloc (09022015). Collection method: clinical testing. Allele origin: germline.

PreventionGenetics, part of Exact Sciences
Classification: Likely benign for RPS6KA3-related condition. Last evaluated: 2023-11-08. Review status: no assertion criteria provided. Collection method: clinical testing. Allele origin: germline. Not counted in ClinVar's aggregate classification.
Comment: This variant is classified as likely benign based on ACMG/AMP sequence variant interpretation guidelines (Richards et al. 2015 PMID: 25741868, with internal and published modifications).

NM_004586.3(RPS6KA3):c.1000-10T>C

Gene: RPS6KA3 (ribosomal protein S6 kinase A3; minus strand). Cytogenetic location: Xp22.12.
Variant type: single nucleotide variant.
Coding change: c.1000-10T>C on transcript NM_004586.3 (MANE Select); 10 bases into the intron before coding-DNA position 1000, T replaced by C.
Molecular consequence: intron variant.
Genome position (GRCh38, 1-based): chrX:20,176,362, A>G on the plus strand (T>C on the coding strand, the complement: RPS6KA3 is on the minus strand). VCF-style: chrX-20176362-A-G. GRCh37 (hg19) VCF-style: chrX-20194480-A-G.
Other names: c.1000-10T>C (NM_004586.2).
Identifiers: ClinVar variation 2065632 (VCV002065632.5), dbSNP rs763725176, ClinGen allele CA10366184.